The following is an entry in ClinVar:

NM_199420.4(POLQ):c.5257C>A (p.Leu1753Ile)

Gene: POLQ (DNA polymerase theta; minus strand). Cytogenetic location: 3q13.33.
Variant type: single nucleotide variant.
Coding change: c.5257C>A on transcript NM_199420.4 (MANE Select); coding-DNA position 5257, C replaced by A.
Protein change: p.Leu1753Ile; replaces leucine 1753 with isoleucine.
Molecular consequence: missense variant.
Genome position (GRCh38, 1-based): chr3:121,487,674, G>T on the plus strand (C>A on the coding strand, the complement: POLQ is on the minus strand). VCF-style: chr3-121487674-G-T. GRCh37 (hg19) VCF-style: chr3-121206521-G-T.
Other names: short protein forms L1753I.
Identifiers: ClinVar variation 2497212 (VCV002497212.2), dbSNP rs1185296633, ClinGen allele CA354090781.

ClinVar aggregate classification (germline): Uncertain significance (1 of 4 stars; one submission).

Allele frequency attached by ClinVar (database versions not stated): gnomAD 0.00001.
gnomAD v4.1: 3 of 1,613,594 alleles (0.00019%); highest among the groups gnomAD compares: Admixed American, 0.0017%; no homozygotes.

Submission:

Ambry Genetics
Classification: Uncertain significance. Last evaluated: 2022-12-13. Review status: criteria provided, single submitter. Criteria: Ambry Variant Classification Scheme 2023. Collection method: clinical testing. Allele origin: germline.
Comment: The p.L1753I variant (also known as c.5257C>A), located in coding exon 16 of the POLQ gene, results from a C to A substitution at nucleotide position 5257. The leucine at codon 1753 is replaced by isoleucine, an amino acid with highly similar properties. This amino acid position is conserved. In addition, this alteration is predicted to be tolerated by in silico analysis. Since supporting evidence is limited at this time, the clinical significance of this alteration remains unclear.